The following is an entry in ClinVar:

ClinVar aggregate classification (germline): Uncertain significance (1 of 4 stars; one submission).

Conditions:
Dilated cardiomyopathy 1DD (CMD1DD). Identifiers: Orphanet 154, MedGen C2750995, MONDO:0013168, OMIM 613172.

Submission:

Labcorp Genetics (formerly Invitae), Labcorp
Classification: Uncertain significance for Dilated cardiomyopathy 1DD. Last evaluated: 2025-04-23. Review status: criteria provided, single submitter. Criteria: Invitae Variant Classification Sherloc (09022015). Collection method: clinical testing. Allele origin: germline.
Comment: This sequence change replaces aspartic acid, which is acidic and polar, with tyrosine, which is neutral and polar, at codon 1093 of the RBM20 protein (p.Asp1093Tyr). This variant is not present in population databases (gnomAD no frequency). This variant has not been reported in the literature in individuals affected with RBM20-related conditions. ClinVar contains an entry for this variant (Variation ID: 1487512). Invitae Evidence Modeling of protein sequence and biophysical properties (such as structural, functional, and spatial information, amino acid conservation, physicochemical variation, residue mobility, and thermodynamic stability) indicates that this missense variant is not expected to disrupt RBM20 protein function with a negative predictive value of 95%. In summary, the available evidence is currently insufficient to determine the role of this variant in disease. Therefore, it has been classified as a Variant of Uncertain Significance.

NM_001134363.3(RBM20):c.3277G>T (p.Asp1093Tyr)

Gene: RBM20 (RNA binding motif protein 20; plus strand). Cytogenetic location: 10q25.2.
Variant type: single nucleotide variant.
Coding change: c.3277G>T on transcript NM_001134363.3 (MANE Select); coding-DNA position 3277, G replaced by T.
Protein change: p.Asp1093Tyr; replaces aspartic acid 1093 with tyrosine.
Molecular consequence: missense variant.
Genome position (GRCh38, 1-based): chr10:110,821,896, G>T. VCF-style: chr10-110821896-G-T. GRCh37 (hg19) VCF-style: chr10-112581654-G-T.
Other names: short protein forms D1093Y.
Identifiers: ClinVar variation 1487512 (VCV001487512.8), dbSNP rs1844919019, ClinGen allele CA378382434.